The following is an entry in ClinVar:

NM_001083961.2(WDR62):c.3790G>A (p.Glu1264Lys)

Gene: WDR62 (WD repeat domain 62; plus strand). Cytogenetic location: 19q13.12.
Variant type: single nucleotide variant.
Coding change: c.3790G>A on transcript NM_001083961.2 (MANE Select); coding-DNA position 3790, G replaced by A.
Protein change: p.Glu1264Lys; replaces glutamic acid 1264 with lysine.
Molecular consequence: missense variant.
Genome position (GRCh38, 1-based): chr19:36,103,618, G>A. VCF-style: chr19-36103618-G-A. GRCh37 (hg19) VCF-style: chr19-36594520-G-A.
Other names: c.3775G>A, p.Glu1259Lys (NM_173636.5); short protein forms E1259K, E1264K.
Identifiers: ClinVar variation 1383159 (VCV001383159.8), dbSNP rs1973534075, ClinGen allele CA405457821.

ClinVar aggregate classification (germline): Uncertain significance (1 of 4 stars; one submission).

Allele frequency attached by ClinVar (database versions not stated): gnomAD 0.00001; TOPMed 0.00001; gnomAD exomes 0.00002.
gnomAD v4.1: 13 of 1,610,756 alleles (0.00081%); highest among the groups gnomAD compares: Non-Finnish European, 0.0011%; no homozygotes.

Submission:

Labcorp Genetics (formerly Invitae), Labcorp
Classification: Uncertain significance. Last evaluated: 2023-12-21. Review status: criteria provided, single submitter. Criteria: Invitae Variant Classification Sherloc (09022015). Collection method: clinical testing. Allele origin: germline.
Comment: This sequence change replaces glutamic acid, which is acidic and polar, with lysine, which is basic and polar, at codon 1264 of the WDR62 protein (p.Glu1264Lys). This variant is not present in population databases (gnomAD no frequency). This variant has not been reported in the literature in individuals affected with WDR62-related conditions. ClinVar contains an entry for this variant (Variation ID: 1383159). Advanced modeling of protein sequence and biophysical properties (such as structural, functional, and spatial information, amino acid conservation, physicochemical variation, residue mobility, and thermodynamic stability) performed at Invitae indicates that this missense variant is not expected to disrupt WDR62 protein function with a negative predictive value of 80%. In summary, the available evidence is currently insufficient to determine the role of this variant in disease. Therefore, it has been classified as a Variant of Uncertain Significance.